The following is an entry in ClinVar:

NM_145290.4(ADGRA3):c.2182A>G (p.Asn728Asp)

Gene: ADGRA3 (adhesion G protein-coupled receptor A3; minus strand). Cytogenetic location: 4p15.2.
Variant type: single nucleotide variant.
Coding change: c.2182A>G on transcript NM_145290.4 (MANE Select); coding-DNA position 2182, A replaced by G.
Protein change: p.Asn728Asp; replaces asparagine 728 with aspartic acid.
Molecular consequence: missense variant.
Genome position (GRCh38, 1-based): chr4:22,413,232, T>C on the plus strand (A>G on the coding strand, the complement: ADGRA3 is on the minus strand). VCF-style: chr4-22413232-T-C. GRCh37 (hg19) VCF-style: chr4-22414855-T-C.
Other names: short protein forms N728D.
Identifiers: ClinVar variation 3654151 (VCV003654151.2).

ClinVar aggregate classification (germline): Uncertain significance (1 of 4 stars; one submission).

Submission:

Labcorp Genetics (formerly Invitae), Labcorp
Classification: Uncertain significance. Last evaluated: 2024-09-15. Review status: criteria provided, single submitter. Criteria: Invitae Variant Classification Sherloc (09022015). Collection method: clinical testing. Allele origin: germline.
Comment: This sequence change replaces asparagine, which is neutral and polar, with aspartic acid, which is acidic and polar, at codon 728 of the ADGRA3 protein (p.Asn728Asp). This variant is not present in population databases (gnomAD no frequency). This variant has not been reported in the literature in individuals affected with ADGRA3-related conditions. An algorithm developed to predict the effect of missense changes on protein structure and function (PolyPhen-2) suggests that this variant is likely to be disruptive. In summary, the available evidence is currently insufficient to determine the role of this variant in disease. Therefore, it has been classified as a Variant of Uncertain Significance.